The following is an entry in ClinVar:

NM_003919.3(SGCE):c.1157C>T (p.Thr386Met)

Genes: CASD1 (CAS1 domain sialic acid O acetyltransferase 1; plus strand), SGCE (sarcoglycan epsilon; minus strand). Cytogenetic location: 7q21.3.
Variant type: single nucleotide variant.
Coding change: c.1157C>T on transcript NM_003919.3 (MANE Select); coding-DNA position 1157, C replaced by T.
Protein change: p.Thr386Met; replaces threonine 386 with methionine.
Molecular consequence: missense variant.
Genome position (GRCh38, 1-based): chr7:94,598,871, G>A on the plus strand (C>T on the coding strand, the complement: SGCE is on the minus strand). VCF-style: chr7-94598871-G-A. GRCh37 (hg19) VCF-style: chr7-94228183-G-A.
Other names: c.1130C>T, p.Thr377Met (NM_001099400.2, NM_001346717.2); c.1157C>T, p.Thr386Met (NM_001099401.2); c.1034C>T, p.Thr345Met (NM_001301139.2); c.1265C>T, p.Thr422Met (NM_001346713.2); c.1238C>T, p.Thr413Met (NM_001346715.2); c.1070C>T, p.Thr357Met (NM_001346719.2); c.884C>T, p.Thr295Met (NM_001346720.2); c.1043C>T, p.Thr348Met (NM_001362807.2); and 3 more; short protein forms T422M, T295M, T336M, T348M, T357M, T413M, T386M, T286M.
Identifiers: ClinVar variation 2740254 (VCV002740254.4), dbSNP rs370800943, ClinGen allele CA4348616.

ClinVar aggregate classification (germline): Uncertain significance. Review status: criteria provided, multiple submitters, no conflicts (2 of 4 stars). 2 submissions from 2 submitters: Uncertain significance (2). Last evaluated 2025-08-30.

Conditions:
Inborn genetic diseases. Identifiers: MedGen C0950123, MeSH D030342.
Myoclonic dystonia 11 (DYT11). Also called: Myoclonic dystonia; Dystonia 11; Dystonia, alcohol responsive; Hereditary essential myoclonus; SGCE Myoclonus-Dystonia; Myoclonus-Dystonia. Identifiers: Orphanet 36899, MedGen C1834570, MONDO:0008044, OMIM 159900.

Allele frequency attached by ClinVar (database versions not stated): ESP Exome Variant Server 0.00008.
gnomAD v4.1: 13 of 1,612,094 alleles (0.00081%); highest among the groups gnomAD compares: Admixed American, 0.0067%; no homozygotes.

Submissions (2):

Ambry Genetics
Classification: Uncertain significance for Inborn genetic diseases. Last evaluated: 2025-08-30. Review status: criteria provided, single submitter. Criteria: Ambry Variant Classification Scheme 2023. Collection method: clinical testing. Allele origin: germline.

Labcorp Genetics (formerly Invitae), Labcorp
Classification: Uncertain significance for Myoclonic dystonia 11. Last evaluated: 2025-07-04. Review status: criteria provided, single submitter. Criteria: Invitae Variant Classification Sherloc (09022015). Collection method: clinical testing. Allele origin: germline.
Comment: This sequence change replaces threonine, which is neutral and polar, with methionine, which is neutral and non-polar, at codon 386 of the SGCE protein (p.Thr386Met). This variant is present in population databases (rs370800943, gnomAD 0.01%). This variant has not been reported in the literature in individuals affected with SGCE-related conditions. ClinVar contains an entry for this variant (Variation ID: 2740254). Invitae Evidence Modeling of protein sequence and biophysical properties (such as structural, functional, and spatial information, amino acid conservation, physicochemical variation, residue mobility, and thermodynamic stability) has been performed for this missense variant. However, the output from this modeling did not meet the statistical confidence thresholds required to predict the impact of this variant on SGCE protein function. In summary, the available evidence is currently insufficient to determine the role of this variant in disease. Therefore, it has been classified as a Variant of Uncertain Significance.